The following is an entry in ClinVar:

ClinVar aggregate classification (germline): Likely benign (0 of 4 stars; one submission).

Conditions:
CUL4B-related disorder. Also called: CUL4B-related condition.

Allele frequency attached by ClinVar (database versions not stated): gnomAD exomes below 0.00001.
gnomAD v4.1: 2 of 1,211,624 alleles (0.00017%); highest among the groups gnomAD compares: Admixed American, 0.0043%; no homozygotes.

Submission:

PreventionGenetics, part of Exact Sciences
Classification: Likely benign for CUL4B-related condition. Last evaluated: 2023-09-04. Review status: no assertion criteria provided. Collection method: clinical testing. Allele origin: germline.
Comment: This variant is classified as likely benign based on ACMG/AMP sequence variant interpretation guidelines (Richards et al. 2015 PMID: 25741868, with internal and published modifications).

NM_001079872.2(CUL4B):c.411G>A (p.Gln137=)

Genes: CUL4B (cullin 4B; minus strand), LOC113845788 (Sharpr-MPRA regulatory region 11856; plus strand). Cytogenetic location: Xq24.
Variant type: single nucleotide variant.
Coding change: c.411G>A on transcript NM_001079872.2 (MANE Select); coding-DNA position 411, G replaced by A.
Protein change: p.Gln137=; no amino-acid change (glutamine 137 retained).
Molecular consequence: synonymous variant.
Genome position (GRCh38, 1-based): chrX:120,560,228, C>T on the plus strand (G>A on the coding strand, the complement: CUL4B is on the minus strand). VCF-style: chrX-120560228-C-T. GRCh37 (hg19) VCF-style: chrX-119694083-C-T.
Other names: c.426G>A, p.Gln142= (NM_001330624.2); c.465G>A, p.Gln155= (NM_003588.4).
Identifiers: ClinVar variation 3029037 (VCV003029037.2), dbSNP rs1022678432, ClinGen allele CA334131500.